The following is an entry in ClinVar:

ClinVar aggregate classification (germline): Benign (0 of 4 stars; one submission).

Conditions:
TEX14-related disorder. Also called: TEX14-related condition.

Allele frequency attached by ClinVar (database versions not stated): gnomAD exomes 0.80786; ExAC 0.84131; ESP Exome Variant Server 0.82423; gnomAD 0.84190; TOPMed 0.84481; 1000 Genomes Project 30x 0.89225; 1000 Genomes Project 0.89696.
gnomAD v4.1: 1,261,316 of 1,554,508 alleles (81%); highest among the groups gnomAD compares: East Asian, 100%; 514,330 homozygotes.

Submission:

PreventionGenetics, part of Exact Sciences
Classification: Benign for TEX14-related condition. Last evaluated: 2019-10-16. Review status: no assertion criteria provided. Collection method: clinical testing. Allele origin: germline.
Comment: This variant is classified as benign based on ACMG/AMP sequence variant interpretation guidelines (Richards et al. 2015 PMID: 25741868, with internal and published modifications).

NM_031272.5(TEX14):c.4227A>G (p.Glu1409=)

Gene: TEX14 (testis expressed 14, intercellular bridge forming factor; minus strand). Cytogenetic location: 17q22.
Variant type: single nucleotide variant.
Coding change: c.4227A>G on transcript NM_031272.5 (MANE Select); coding-DNA position 4227, A replaced by G.
Protein change: p.Glu1409=; no amino-acid change (glutamic acid 1409 retained).
Molecular consequence: synonymous variant.
Genome position (GRCh38, 1-based): chr17:58,559,493, T>C on the plus strand (A>G on the coding strand, the complement: TEX14 is on the minus strand). VCF-style: chr17-58559493-T-C. GRCh37 (hg19) VCF-style: chr17-56636854-T-C.
Other names: c.4365A>G, p.Glu1455= (NM_001201457.2); c.4347A>G, p.Glu1449= (NM_198393.4).
Identifiers: ClinVar variation 3060778 (VCV003060778.2), dbSNP rs7225128, ClinGen allele CA8675486.